The following is an entry in ClinVar:

NM_002546.4(TNFRSF11B):c.28G>A (p.Val10Met)

Gene: TNFRSF11B (TNF receptor superfamily member 11b; minus strand). Cytogenetic location: 8q24.12.
Variant type: single nucleotide variant.
Coding change: c.28G>A on transcript NM_002546.4 (MANE Select); coding-DNA position 28, G replaced by A.
Protein change: p.Val10Met; replaces valine 10 with methionine.
Molecular consequence: missense variant.
Genome position (GRCh38, 1-based): chr8:118,951,794, C>T on the plus strand (G>A on the coding strand, the complement: TNFRSF11B is on the minus strand). VCF-style: chr8-118951794-C-T. GRCh37 (hg19) VCF-style: chr8-119964033-C-T.
Other names: c.28G>A (NM_002546.3); short protein forms V10M.
Identifiers: ClinVar variation 1348732 (VCV001348732.7), dbSNP rs762213334, ClinGen allele CA4855014.

ClinVar aggregate classification (germline): Uncertain significance. Review status: criteria provided, multiple submitters, no conflicts (2 of 4 stars). 2 submissions from 2 submitters: Uncertain significance (2). Last evaluated 2026-01-12.

Conditions:
Inborn genetic diseases. Identifiers: MedGen C0950123, MeSH D030342.

Allele frequency attached by ClinVar (database versions not stated): gnomAD 0.00005; TOPMed 0.00006; gnomAD exomes 0.00016; ExAC 0.00019; 1000 Genomes Project 30x 0.00031.

Submissions (2):

Labcorp Genetics (formerly Invitae), Labcorp
Classification: Uncertain significance. Last evaluated: 2026-01-12. Review status: criteria provided, single submitter. Criteria: Invitae Variant Classification Sherloc (09022015). Collection method: clinical testing. Allele origin: germline.
Comment: This sequence change replaces valine, which is neutral and non-polar, with methionine, which is neutral and non-polar, at codon 10 of the TNFRSF11B protein (p.Val10Met). This variant is present in population databases (rs762213334, gnomAD 0.08%). This variant has not been reported in the literature in individuals affected with TNFRSF11B-related conditions. ClinVar contains an entry for this variant (Variation ID: 1348732). An algorithm developed to predict the effect of missense changes on protein structure and function outputs the following: PolyPhen-2: "Benign". The methionine amino acid residue is found in multiple mammalian species, which suggests that this missense change does not adversely affect protein function. In summary, the available evidence is currently insufficient to determine the role of this variant in disease. Therefore, it has been classified as a Variant of Uncertain Significance.

Ambry Genetics
Classification: Uncertain significance for Inborn genetic diseases. Last evaluated: 2024-10-08. Review status: criteria provided, single submitter. Criteria: Ambry Variant Classification Scheme 2023. Collection method: clinical testing. Allele origin: germline.